The following is an entry in ClinVar:

ClinVar aggregate classification (germline): Uncertain significance (1 of 4 stars; one submission).

Conditions:
Microcephaly-intellectual disability-sensorineural hearing loss-epilepsy-abnormal muscle tone syndrome (NEDHSB). Also called: NEURODEVELOPMENTAL DISORDER WITH HEARING LOSS, SEIZURES, AND BRAIN ABNORMALITIES. Identifiers: Orphanet 457351, MedGen C4225276, MONDO:0014698, OMIM 616577.

Allele frequency attached by ClinVar (database versions not stated): ExAC 0.00001; gnomAD 0.00001; gnomAD exomes 0.00001; TOPMed 0.00001; ESP Exome Variant Server 0.00008.
gnomAD v4.1: 22 of 1,614,002 alleles (0.0014%); highest among the groups gnomAD compares: Non-Finnish European, 0.0018%; no homozygotes.

Submission:

Labcorp Genetics (formerly Invitae), Labcorp
Classification: Uncertain significance for Microcephaly-intellectual disability-sensorineural hearing loss-epilepsy-abnormal muscle tone syndrome. Last evaluated: 2024-10-17. Review status: criteria provided, single submitter. Criteria: Invitae Variant Classification Sherloc (09022015). Collection method: clinical testing. Allele origin: germline.
Comment: This sequence change replaces serine, which is neutral and polar, with phenylalanine, which is neutral and non-polar, at codon 222 of the SPATA5 protein (p.Ser222Phe). This variant is present in population databases (rs143998697, gnomAD 0.003%). This variant has not been reported in the literature in individuals affected with SPATA5-related conditions. ClinVar contains an entry for this variant (Variation ID: 662179). Invitae Evidence Modeling of protein sequence and biophysical properties (such as structural, functional, and spatial information, amino acid conservation, physicochemical variation, residue mobility, and thermodynamic stability) has been performed for this missense variant. However, the output from this modeling did not meet the statistical confidence thresholds required to predict the impact of this variant on SPATA5 protein function. In summary, the available evidence is currently insufficient to determine the role of this variant in disease. Therefore, it has been classified as a Variant of Uncertain Significance.

NM_145207.3(AFG2A):c.665C>T (p.Ser222Phe)

Gene: AFG2A (AAA ATPase AFG2A; plus strand). Cytogenetic location: 4q28.1.
Variant type: single nucleotide variant.
Coding change: c.665C>T on transcript NM_145207.3 (MANE Select); coding-DNA position 665, C replaced by T.
Protein change: p.Ser222Phe; replaces serine 222 with phenylalanine.
Molecular consequence: missense variant.
Genome position (GRCh38, 1-based): chr4:122,934,256, C>T. VCF-style: chr4-122934256-C-T. GRCh37 (hg19) VCF-style: chr4-123855411-C-T.
Other names: c.662C>T, p.Ser221Phe (NM_001317799.2, NM_001345856.2); short protein forms S222F, S221F.
Identifiers: ClinVar variation 662179 (VCV000662179.7), dbSNP rs143998697, ClinGen allele CA3070295.